The following is an entry in ClinVar:

ClinVar aggregate classification (germline): Likely benign. Review status: criteria provided, multiple submitters, no conflicts (2 of 4 stars). 5 submissions from 5 submitters: Likely benign (4). 1 of the submissions does not count toward it. Last evaluated 2026-06-24.

Conditions:
Primary hyperoxaluria, type II (HP2). Also called: D-GLYCERATE DEHYDROGENASE DEFICIENCY; GLYCERIC ACIDURIA; GLYOXYLATE REDUCTASE/HYDROXYPYRUVATE REDUCTASE DEFICIENCY; OXALOSIS II; Primary hyperoxaluria type 2. Identifiers: Orphanet 416, Orphanet 93599, MedGen C0268165, MONDO:0009824, OMIM 260000. Disease mechanism: loss of function.
GRHPR-related disorder. Also called: GRHPR-related condition.
Nephrolithiasis/nephrocalcinosis. Identifiers: MedGen CN580796.

Allele frequency attached by ClinVar (database versions not stated): ExAC 0.00004; gnomAD 0.00005; TOPMed 0.00005; gnomAD exomes 0.00006; ESP Exome Variant Server 0.00008.
gnomAD v4.1: 65 of 1,613,878 alleles (0.004%); highest among the groups gnomAD compares: Admixed American, 0.0083%; no homozygotes.

Submissions (5):

PreventionGenetics, part of Exact Sciences
Classification: Likely benign for GRHPR-related condition. Last evaluated: 2026-06-24. Review status: criteria provided, single submitter. Criteria: ACMG Guidelines, 2015. Collection method: clinical testing. Allele origin: germline.
Comment: This variant is classified as likely benign based on ACMG/AMP sequence variant interpretation guidelines (Richards et al. 2015 PMID: 25741868, with internal and published modifications).

Labcorp Genetics (formerly Invitae), Labcorp
Classification: Likely benign. Last evaluated: 2025-10-03. Review status: criteria provided, single submitter. Criteria: Invitae Variant Classification Sherloc (09022015). Collection method: clinical testing. Allele origin: germline.

Fulgent Genetics
Classification: Likely benign for Primary hyperoxaluria, type II. Last evaluated: 2021-10-26. Review status: criteria provided, single submitter. Criteria: ACMG Guidelines, 2015. Collection method: clinical testing. Allele origin: unknown.

Ambry Genetics
Classification: Likely benign for Nephrolithiasis/nephrocalcinosis. Last evaluated: 2020-09-24. Review status: criteria provided, single submitter. Criteria: Ambry Variant Classification Scheme 2023. Collection method: clinical testing. Allele origin: germline.

Natera, Inc.
Classification: Likely benign for Primary hyperoxaluria type II. Last evaluated: 2020-03-12. Review status: no assertion criteria provided. Collection method: clinical testing. Allele origin: germline. Not counted in ClinVar's aggregate classification.

NM_012203.2(GRHPR):c.342C>T (p.Leu114=)

Gene: GRHPR (glyoxylate and hydroxypyruvate reductase; plus strand). Cytogenetic location: 9p13.2.
Variant type: single nucleotide variant.
Coding change: c.342C>T on transcript NM_012203.2 (MANE Select); coding-DNA position 342, C replaced by T.
Protein change: p.Leu114=; no amino-acid change (leucine 114 retained).
Molecular consequence: synonymous variant.
Genome position (GRCh38, 1-based): chr9:37,426,592, C>T. VCF-style: chr9-37426592-C-T. GRCh37 (hg19) VCF-style: chr9-37426589-C-T.
Identifiers: ClinVar variation 796573 (VCV000796573.15), dbSNP rs374108537, ClinGen allele CA5059007.